The following is an entry in ClinVar:

NM_005263.5(GFI1):c.1126G>A (p.Ala376Thr)

Genes: GFI1 (growth factor independent 1 transcriptional repressor; minus strand), LOC129930930 (ATAC-STARR-seq lymphoblastoid active region 1314; plus strand). Cytogenetic location: 1p22.1.
Variant type: single nucleotide variant.
Coding change: c.1126G>A on transcript NM_005263.5 (MANE Select); coding-DNA position 1126, G replaced by A.
Protein change: p.Ala376Thr; replaces alanine 376 with threonine.
Molecular consequence: missense variant.
Genome position (GRCh38, 1-based): chr1:92,476,172, C>T on the plus strand (G>A on the coding strand, the complement: GFI1 is on the minus strand). VCF-style: chr1-92476172-C-T. GRCh37 (hg19) VCF-style: chr1-92941729-C-T.
Other names: c.1126G>A, p.Ala376Thr (NM_001127215.3, NM_001127216.3); short protein forms A376T.
Identifiers: ClinVar variation 2632637 (VCV002632637.5), dbSNP rs1188316818, ClinGen allele CA341147902.

ClinVar aggregate classification (germline): Uncertain significance. Review status: criteria provided, multiple submitters, no conflicts (2 of 4 stars). 3 submissions from 3 submitters: Uncertain significance (3). Last evaluated 2024-12-20.

Conditions:
Neutropenia, severe congenital, 2, autosomal dominant. Identifiers: Orphanet 486, MedGen C2751288, MONDO:0013139, OMIM 613107.
GFI1-related disorder. Also called: GFI1-related condition.

Allele frequency attached by ClinVar (database versions not stated): gnomAD exomes below 0.00001.

Submissions (3):

Ambry Genetics
Classification: Uncertain significance. Last evaluated: 2024-12-20. Review status: criteria provided, single submitter. Criteria: Ambry Variant Classification Scheme 2023. Collection method: clinical testing. Allele origin: germline.
Comment: The p.A376T variant (also known as c.1126G>A), located in coding exon 6 of the GFI1 gene, results from a G to A substitution at nucleotide position 1126. The alanine at codon 376 is replaced by threonine, an amino acid with similar properties. This amino acid position is conserved. In addition, this alteration is predicted to be tolerated by in silico analysis. Based on the available evidence, the clinical significance of this variant remains unclear.

PreventionGenetics, part of Exact Sciences
Classification: Uncertain significance for GFI1-related condition. Last evaluated: 2023-06-02. Review status: criteria provided, single submitter. Criteria: ACMG Guidelines, 2015. Collection method: clinical testing. Allele origin: germline.
Comment: The GFI1 c.1126G>A variant is predicted to result in the amino acid substitution p.Ala376Thr. To our knowledge, this variant has not been reported in the literature. This variant is reported in 0.0029% of alleles in individuals of Latino descent in gnomAD. At this time, the clinical significance of this variant is uncertain due to the absence of conclusive functional and genetic evidence.

Labcorp Genetics (formerly Invitae), Labcorp
Classification: Uncertain significance for Neutropenia, severe congenital, 2, autosomal dominant. Last evaluated: 2022-12-22. Review status: criteria provided, single submitter. Criteria: Invitae Variant Classification Sherloc (09022015). Collection method: clinical testing. Allele origin: germline.
Comment: Advanced modeling of protein sequence and biophysical properties (such as structural, functional, and spatial information, amino acid conservation, physicochemical variation, residue mobility, and thermodynamic stability) performed at Invitae indicates that this missense variant is expected to disrupt GFI1 protein function. In summary, the available evidence is currently insufficient to determine the role of this variant in disease. Therefore, it has been classified as a Variant of Uncertain Significance. This variant has not been reported in the literature in individuals affected with GFI1-related conditions. The frequency data for this variant in the population databases is considered unreliable, as metrics indicate poor data quality at this position in the gnomAD database. This sequence change replaces alanine, which is neutral and non-polar, with threonine, which is neutral and polar, at codon 376 of the GFI1 protein (p.Ala376Thr).